The following is an entry in ClinVar:

NM_001114753.3(ENG):c.581_605del (p.Leu194fs)

Gene: ENG (endoglin; minus strand). Cytogenetic location: 9q34.11.
Variant type: Deletion.
Coding change: c.581_605del on transcript NM_001114753.3 (MANE Select); coding-DNA positions 581 to 605, 25 bases deleted (TCGAGTGGCGGCCGCGTACTCCAGC).
Protein change: p.Leu194fs; shifts the reading frame from leucine 194.
Molecular consequence: frameshift variant.
Genome position (GRCh38, 1-based): chr9:127,825,779-127,825,803, GCTGGAGTACGCGGCCGCCACTCGA deleted on the plus strand (TCGAGTGGCGGCCGCGTACTCCAGC on the coding strand, the reverse complement: ENG is on the minus strand); deleting any 25 consecutive bases within chr9:127,825,779-127,825,805 gives the same sequence; the c. name uses the placement nearest the transcript's 3' end. VCF-style (leftmost placement, unchanged base first): chr9-127825778-GGCTGGAGTACGCGGCCGCCACTCGA-G. GRCh37 (hg19) VCF-style: chr9-130588057-GGCTGGAGTACGCGGCCGCCACTCGA-G.
Other names: c.579_603del25, p.Leu194Profs (NM_000118.4, NM_001406715.1); c.35_59del, p.Leu12fs (NM_001278138.2); short protein forms L194fs, L12fs.
Identifiers: ClinVar variation 2018024 (VCV002018024.4), dbSNP rs2539076078, ClinGen allele CA2580079686.

ClinVar aggregate classification (germline): Pathogenic (1 of 4 stars; one submission).

Conditions:
Hereditary hemorrhagic telangiectasia (HHT). Also called: ORW DISEASE; Osler Weber Rendu syndrome; OSLER-RENDU-WEBER DISEASE; Osler hemorrhagic telangiectasia syndrome. Identifiers: Orphanet 774, MedGen C0039445, MONDO:0019180. Disease mechanism: loss of function.

Submission:

Labcorp Genetics (formerly Invitae), Labcorp
Classification: Pathogenic for Hereditary hemorrhagic telangiectasia. Last evaluated: 2022-07-19. Review status: criteria provided, single submitter. Criteria: Invitae Variant Classification Sherloc (09022015). Collection method: clinical testing. Allele origin: germline.
Comment: For these reasons, this variant has been classified as Pathogenic. This variant has not been reported in the literature in individuals affected with ENG-related conditions. This variant is not present in population databases (gnomAD no frequency). This sequence change creates a premature translational stop signal (p.Leu194Profs*20) in the ENG gene. It is expected to result in an absent or disrupted protein product. Loss-of-function variants in ENG are known to be pathogenic (PMID: 15879500).

Literature cited by the submitters: PubMed 15879500.